The following is an entry in ClinVar:

ClinVar aggregate classification (germline): Pathogenic (1 of 4 stars; one submission).

Conditions:
Smith-Lemli-Opitz syndrome (SLOS). Also called: LETHAL ACRODYSGENITAL SYNDROME; POLYDACTYLY, SEX REVERSAL, RENAL HYPOPLASIA, AND UNILOBAR LUNG; RSH SYNDROME; RUTLEDGE LETHAL MULTIPLE CONGENITAL ANOMALY SYNDROME; 7-Dehydrocholesterol reductase deficiency. Identifiers: Orphanet 818, MedGen C0175694, MONDO:0010035, OMIM 270400.

Submission:

Labcorp Genetics (formerly Invitae), Labcorp
Classification: Pathogenic for Smith-Lemli-Opitz syndrome. Last evaluated: 2023-08-05. Review status: criteria provided, single submitter. Criteria: Invitae Variant Classification Sherloc (09022015). Collection method: clinical testing. Allele origin: unknown.
Comment: This variant is a gross deletion of the genomic region encompassing exon(s) 8-9 of the DHCR7 gene, which includes the termination codon. This deletion extends beyond the assayed region for this gene and therefore may encompass additional genes. While this deletion is not anticipated to lead to nonsense mediated decay, it is expected to alter mRNA translation or result in a truncated protein product. This variant has not been reported in the literature in individuals affected with DHCR7-related conditions. This variant disrupts a region of the DHCR7 protein in which other variant(s) (p.Val466Met) have been determined to be pathogenic (PMID: 21990131, 22391996, 23042628; Invitae). This suggests that this is a clinically significant region of the protein, and that variants that disrupt it are likely to be disease-causing. For these reasons, this variant has been classified as Pathogenic.

Literature cited by the submitters: PubMed 21990131; PubMed 22391996; PubMed 23042628.

NC_000011.9:g.(?_71146421)_(71149009_?)del

Gene: DHCR7 (7-dehydrocholesterol reductase; minus strand). Cytogenetic location: 11q13.4.
Variant type: Deletion.
Identifiers: ClinVar variation 3244559 (VCV003244559.1).